The following is an entry in ClinVar:

NM_000787.4(DBH):c.1024+6C>T

Gene: DBH (dopamine beta-hydroxylase; plus strand). Cytogenetic location: 9q34.2.
Variant type: single nucleotide variant.
Coding change: c.1024+6C>T on transcript NM_000787.4 (MANE Select); 6 bases into the intron after coding-DNA position 1024, C replaced by T.
Molecular consequence: intron variant.
Genome position (GRCh38, 1-based): chr9:133,644,326, C>T. VCF-style: chr9-133644326-C-T. GRCh37 (hg19) VCF-style: chr9-136509448-C-T.
Other names: c.1024+6C>T (NM_000787.3).
Identifiers: ClinVar variation 1465726 (VCV001465726.5), dbSNP rs1611126, ClinGen allele CA5313270.

ClinVar aggregate classification (germline): Conflicting classifications of pathogenicity. Review status: criteria provided, conflicting classifications (1 of 4 stars). 3 submissions from 3 submitters: Uncertain significance (2); Likely benign (1). Last evaluated 2025-03-17.

Conditions:
Orthostatic hypotension 1 (ORTHYP1). Also called: Dopamine beta-hydroxylase deficiency; NORADRENALINE DEFICIENCY; NOREPINEPHRINE DEFICIENCY; Orthostatic hypotension 1, due to DBH deficiency. Identifiers: Orphanet 230, MedGen C4746777, MONDO:0009123, OMIM 223360.
DBH-related disorder. Also called: DBH-related condition.
Inborn genetic diseases. Identifiers: MedGen C0950123, MeSH D030342.

Allele frequency attached by ClinVar (database versions not stated): 1000 Genomes Project 30x 0.00016.
gnomAD v4.1: 99 of 1,610,260 alleles (0.0061%); highest among the groups gnomAD compares: Admixed American, 0.075%; no homozygotes.

Submissions (3):

Ambry Genetics
Classification: Uncertain significance for Inborn genetic diseases. Last evaluated: 2025-03-17. Review status: criteria provided, single submitter. Criteria: Ambry Variant Classification Scheme 2023. Collection method: clinical testing. Allele origin: germline.
Comment: The c.1024+6C>T intronic alteration consists of a C to T substitution nucleotides after coding exon 5 in the DBH gene. Based on insufficient or conflicting evidence, the clinical significance of this alteration remains unclear.

PreventionGenetics, part of Exact Sciences
Classification: Likely benign for DBH-related condition. Last evaluated: 2024-12-21. Review status: criteria provided, single submitter. Criteria: ACMG Guidelines, 2015. Collection method: clinical testing. Allele origin: germline.
Comment: This variant is classified as likely benign based on ACMG/AMP sequence variant interpretation guidelines (Richards et al. 2015 PMID: 25741868, with internal and published modifications).

Labcorp Genetics (formerly Invitae), Labcorp
Classification: Uncertain significance for Orthostatic hypotension 1. Last evaluated: 2022-05-25. Review status: criteria provided, single submitter. Criteria: Invitae Variant Classification Sherloc (09022015). Collection method: clinical testing. Allele origin: germline.
Comment: This sequence change falls in intron 5 of the DBH gene. It does not directly change the encoded amino acid sequence of the DBH protein. It affects a nucleotide within the consensus splice site. This variant is present in population databases (rs1611126, gnomAD 0.08%). This variant has not been reported in the literature in individuals affected with DBH-related conditions. Variants that disrupt the consensus splice site are a relatively common cause of aberrant splicing (PMID: 17576681, 9536098). Algorithms developed to predict the effect of sequence changes on RNA splicing suggest that this variant is not likely to affect RNA splicing. In summary, the available evidence is currently insufficient to determine the role of this variant in disease. Therefore, it has been classified as a Variant of Uncertain Significance.

Literature cited by the submitters: PubMed 17576681 (cited by Labcorp Genetics (formerly Invitae), Labcorp); PubMed 9536098 (cited by Labcorp Genetics (formerly Invitae), Labcorp).